The following is an entry in ClinVar:

NM_006379.5(SEMA3C):c.1705C>T (p.Leu569=)

Gene: SEMA3C (semaphorin 3C; minus strand). Cytogenetic location: 7q21.11.
Variant type: single nucleotide variant.
Coding change: c.1705C>T on transcript NM_006379.5 (MANE Select); coding-DNA position 1705, C replaced by T.
Protein change: p.Leu569=; no amino-acid change (leucine 569 retained).
Molecular consequence: synonymous variant.
Genome position (GRCh38, 1-based): chr7:80,751,275, G>A on the plus strand (C>T on the coding strand, the complement: SEMA3C is on the minus strand). VCF-style: chr7-80751275-G-A. GRCh37 (hg19) VCF-style: chr7-80380591-G-A.
Other names: c.1759C>T, p.Leu587= (NM_001350120.2); c.1531C>T, p.Leu511= (NM_001350121.2).
Identifiers: ClinVar variation 3354433 (VCV003354433.1).

ClinVar aggregate classification (germline): Likely benign (0 of 4 stars; one submission).

Conditions:
SEMA3C-related disorder. Also called: SEMA3C-related condition.

Submission:

PreventionGenetics, part of Exact Sciences
Classification: Likely benign for SEMA3C-related condition. Last evaluated: 2022-04-06. Review status: no assertion criteria provided. Collection method: clinical testing. Allele origin: germline.
Comment: This variant is classified as likely benign based on ACMG/AMP sequence variant interpretation guidelines (Richards et al. 2015 PMID: 25741868, with internal and published modifications).